The following is an entry in ClinVar:

NM_016239.4(MYO15A):c.9190G>C (p.Asp3064His)

Gene: MYO15A (myosin XVA; plus strand). Cytogenetic location: 17p11.2.
Variant type: single nucleotide variant.
Coding change: c.9190G>C on transcript NM_016239.4 (MANE Select); coding-DNA position 9190, G replaced by C.
Protein change: p.Asp3064His; replaces aspartic acid 3064 with histidine.
Molecular consequence: missense variant.
Genome position (GRCh38, 1-based): chr17:18,159,308, G>C. VCF-style: chr17-18159308-G-C. GRCh37 (hg19) VCF-style: chr17-18062622-G-C.
Other names: short protein forms D3064H.
Identifiers: ClinVar variation 1343860 (VCV001343860.13), dbSNP rs182977390, ClinGen allele CA8425418.

ClinVar aggregate classification (germline): Conflicting classifications of pathogenicity. Review status: criteria provided, conflicting classifications (1 of 4 stars). 3 submissions from 3 submitters: Uncertain significance (2); Likely benign (1). Last evaluated 2026-01-22.

Allele frequency attached by ClinVar (database versions not stated): 1000 Genomes Project 0.00060; 1000 Genomes Project 30x 0.00078.
gnomAD v4.1: 206 of 1,614,156 alleles (0.013%); highest among the groups gnomAD compares: Admixed American, 0.14%; 1 homozygote.

Submissions (3):

Labcorp Genetics (formerly Invitae), Labcorp
Classification: Likely benign. Last evaluated: 2026-01-22. Review status: criteria provided, single submitter. Criteria: Invitae Variant Classification Sherloc (09022015). Collection method: clinical testing. Allele origin: germline.

GeneDx
Classification: Uncertain significance. Last evaluated: 2025-05-02. Review status: criteria provided, single submitter. Criteria: GeneDx Variant Classification Process June 2021. Collection method: clinical testing. Allele origin: germline. Affected: yes.
Comment: In silico analysis supports that this missense variant has a deleterious effect on protein structure/function; Has not been previously published as pathogenic or benign to our knowledge

Blueprint Genetics
Classification: Uncertain significance. Last evaluated: 2024-11-20. Review status: criteria provided, single submitter. Criteria: ACMG Guidelines, 2015. Collection method: clinical testing. Allele origin: germline.